The following is an entry in ClinVar:

NM_000051.4(ATM):c.2935T>G (p.Leu979Val)

Gene: ATM (ATM serine/threonine kinase; plus strand). Cytogenetic location: 11q22.3.
Variant type: single nucleotide variant.
Coding change: c.2935T>G on transcript NM_000051.4 (MANE Select); coding-DNA position 2935, T replaced by G.
Protein change: p.Leu979Val; replaces leucine 979 with valine.
Molecular consequence: missense variant.
Genome position (GRCh38, 1-based): chr11:108,271,264, T>G. VCF-style: chr11-108271264-T-G. GRCh37 (hg19) VCF-style: chr11-108141991-T-G.
Other names: c.2935T>G, p.Leu979Val (NM_001351834.2); short protein forms L979V.
Identifiers: ClinVar variation 2829770 (VCV002829770.4), dbSNP rs2135551611, ClinGen allele CA382547118.

ClinVar aggregate classification (germline): Uncertain significance. Review status: criteria provided, multiple submitters, no conflicts (2 of 4 stars). 2 submissions from 2 submitters: Uncertain significance (2). Last evaluated 2026-04-20.

Conditions:
Hereditary cancer-predisposing syndrome. Also called: Hereditary neoplastic syndrome; Neoplastic Syndromes, Hereditary; Tumor predisposition; Hereditary Cancer Syndrome. Identifiers: Orphanet 140162, MedGen C0027672, MeSH D009386, MONDO:0015356.
Ataxia-telangiectasia syndrome (AT). Also called: ATAXIA-TELANGIECTASIA, COMPLEMENTATION GROUP A; ATAXIA-TELANGIECTASIA, FRESNO VARIANT; Ataxia-telangiectasia; LOUIS-BAR SYNDROME; Cerebello-oculocutaneous telangiectasia; Immunodeficiency with ataxia telangiectasia. Identifiers: Orphanet 100, MedGen C0004135, MONDO:0008840, OMIM 208900.

Submissions (2):

Ambry Genetics
Classification: Uncertain significance for Hereditary cancer-predisposing syndrome. Last evaluated: 2026-04-20. Review status: criteria provided, single submitter. Criteria: Ambry Variant Classification Scheme 2023. Collection method: clinical testing. Allele origin: germline.
Comment: The p.L979V variant (also known as c.2935T>G), located in coding exon 19 of the ATM gene, results from a T to G substitution at nucleotide position 2935. The leucine at codon 979 is replaced by valine, an amino acid with highly similar properties. This amino acid position is conserved. In addition, this alteration is predicted to be tolerated by in silico analysis. Based on the available evidence, the clinical significance of this variant remains unclear.

Labcorp Genetics (formerly Invitae), Labcorp
Classification: Uncertain significance for Ataxia-telangiectasia syndrome. Last evaluated: 2023-01-18. Review status: criteria provided, single submitter. Criteria: Invitae Variant Classification Sherloc (09022015). Collection method: clinical testing. Allele origin: germline.
Comment: This variant has not been reported in the literature in individuals affected with ATM-related conditions. Algorithms developed to predict the effect of missense changes on protein structure and function (SIFT, PolyPhen-2, Align-GVGD) all suggest that this variant is likely to be tolerated. In summary, the available evidence is currently insufficient to determine the role of this variant in disease. Therefore, it has been classified as a Variant of Uncertain Significance. This variant is not present in population databases (gnomAD no frequency). This sequence change replaces leucine, which is neutral and non-polar, with valine, which is neutral and non-polar, at codon 979 of the ATM protein (p.Leu979Val).